The following is an entry in ClinVar:

NM_001385641.1(SAMD11):c.1354_1355insT (p.Glu452fs)

Gene: SAMD11 (sterile alpha motif domain containing 11; plus strand). Cytogenetic location: 1p36.33.
Variant type: Insertion.
Coding change: c.1354_1355insT on transcript NM_001385641.1 (MANE Select); coding-DNA positions 1354 to 1355, T inserted.
Protein change: p.Glu452fs; shifts the reading frame from glutamic acid 452.
Molecular consequence: frameshift variant.
Genome position: GRCh38 VCF-style: chr1-941302-G-GT. GRCh37 (hg19) VCF-style: chr1-876682-G-GT.
Other names: c.1357_1358insT, p.Glu453fs (NM_001385640.1); c.865_866insT, p.Glu289fs (NM_152486.4); short protein forms E452fs, E453fs, E289fs.
Identifiers: ClinVar variation 2127271 (VCV002127271.4), dbSNP rs2522698049, ClinGen allele CA2580062492.

ClinVar aggregate classification (germline): Uncertain significance (1 of 4 stars; one submission).

Allele frequency attached by ClinVar (database versions not stated): gnomAD exomes below 0.00001.

Submission:

Labcorp Genetics (formerly Invitae), Labcorp
Classification: Uncertain significance. Last evaluated: 2022-04-17. Review status: criteria provided, single submitter. Criteria: Invitae Variant Classification Sherloc (09022015). Collection method: clinical testing. Allele origin: germline.
Comment: In summary, the available evidence is currently insufficient to determine the role of this variant in disease. Therefore, it has been classified as a Variant of Uncertain Significance. Algorithms developed to predict the effect of sequence changes on RNA splicing suggest that this variant may create or strengthen a splice site. This variant has not been reported in the literature in individuals affected with SAMD11-related conditions. This variant is not present in population databases (gnomAD no frequency). This sequence change creates a premature translational stop signal (p.Glu289Valfs*166) in the SAMD11 gene. It is expected to result in an absent or disrupted protein product. However, the current clinical and genetic evidence is not sufficient to establish whether loss-of-function variants in SAMD11 cause disease.